The following is an entry in ClinVar:

NM_001134407.3(GRIN2A):c.1699A>G (p.Ile567Val)

Gene: GRIN2A (glutamate ionotropic receptor NMDA type subunit 2A; minus strand). Cytogenetic location: 16p13.2.
Variant type: single nucleotide variant.
Coding change: c.1699A>G on transcript NM_001134407.3 (MANE Select); coding-DNA position 1699, A replaced by G.
Protein change: p.Ile567Val; replaces isoleucine 567 with valine.
Molecular consequence: missense variant.
Genome position (GRCh38, 1-based): chr16:9,834,183, T>C on the plus strand (A>G on the coding strand, the complement: GRIN2A is on the minus strand). VCF-style: chr16-9834183-T-C. GRCh37 (hg19) VCF-style: chr16-9928040-T-C.
Other names: c.1699A>G, p.Ile567Val (NM_000833.5, NM_001134408.2); short protein forms I567V.
Identifiers: ClinVar variation 2777593 (VCV002777593.2), dbSNP rs2141325499, ClinGen allele CA394800045.
Genomic context (GRCh38, chr16:9,834,183, plus strand): 5'-TTCTGTTGTATCCAACAGGGCTGAAGTATTCAAAGACAAAAACAGCTATGGCAGAAACAA[T>C]GAGCAGCATCACAAACATCATCACCCAGACAGAGGCGCTGAATGGTTCTGCAAATAAACA-3'
Protein context (NP_001127879.1, residues 557-577): VWVMMFVMLL[Ile567Val]VSAIAVFVFE

ClinVar aggregate classification (germline): Uncertain significance (1 of 4 stars; one submission).

Conditions:
Landau-Kleffner syndrome (FESD). Also called: EPILEPSY, FOCAL, WITH SPEECH DISORDER AND WITH OR WITHOUT MENTAL RETARDATION; APHASIA, ACQUIRED, WITH EPILEPSY. Identifiers: Orphanet 1945, Orphanet 725, Orphanet 98818, MedGen C0282512, MONDO:0009509, OMIM 245570.

Allele frequency attached by ClinVar (database versions not stated): gnomAD exomes below 0.00001.
gnomAD v4.1: 1 of 1,613,550 alleles (0.000062%); highest among the groups gnomAD compares: Admixed American, 0.0017%; no homozygotes.

Submission:

Labcorp Genetics (formerly Invitae), Labcorp
Classification: Uncertain significance for Landau-Kleffner syndrome. Last evaluated: 2026-01-09. Review status: criteria provided, single submitter. Criteria: Invitae Variant Classification Sherloc (09022015). Collection method: clinical testing. Allele origin: germline.
Comment: This sequence change replaces isoleucine, which is neutral and non-polar, with valine, which is neutral and non-polar, at codon 567 of the GRIN2A protein (p.Ile567Val). This variant is not present in population databases (gnomAD no frequency). This variant has not been reported in the literature in individuals affected with GRIN2A-related conditions. ClinVar contains an entry for this variant (Variation ID: 2777593). Invitae Evidence Modeling of protein sequence and biophysical properties (such as structural, functional, and spatial information, amino acid conservation, physicochemical variation, residue mobility, and thermodynamic stability) indicates that this missense variant is not expected to disrupt GRIN2A protein function with a negative predictive value of 80%. In summary, the available evidence is currently insufficient to determine the role of this variant in disease. Therefore, it has been classified as a Variant of Uncertain Significance.